The following is an entry in ClinVar:

NM_001365999.1(SZT2):c.5035C>G (p.Leu1679Val)

Gene: SZT2 (SZT2 subunit of KICSTOR complex; plus strand). Cytogenetic location: 1p34.2.
Variant type: single nucleotide variant.
Coding change: c.5035C>G on transcript NM_001365999.1 (MANE Select); coding-DNA position 5035, C replaced by G.
Protein change: p.Leu1679Val; replaces leucine 1679 with valine.
Molecular consequence: missense variant.
Genome position (GRCh38, 1-based): chr1:43,431,470, C>G. VCF-style: chr1-43431470-C-G. GRCh37 (hg19) VCF-style: chr1-43897141-C-G.
Other names: c.4864C>G (NM_015284.3); c.4864C>G, p.Leu1622Val (NM_015284.4); short protein forms L1622V, L1679V.
Identifiers: ClinVar variation 1474202 (VCV001474202.9), dbSNP rs1653868251, ClinGen allele CA340023258.
Genomic context (GRCh38, chr1:43,431,470, plus strand): 5'-TTTCAATTTCATTTTCTGGAAACCAATATCTAAACCTTTCTTCCAATTAGGCACCCAGGA[C>G]TATCCAATTTGGCCACGCCCCACAGACTGGCTATTGAGACCACCATGAATGAGGTGAGCC-3'
Protein context (NP_001352928.1, residues 1669-1689): PPPEEERHPG[Leu1679Val]SNLATPHRLA

ClinVar aggregate classification (germline): Uncertain significance. Review status: criteria provided, multiple submitters, no conflicts (2 of 4 stars). 2 submissions from 2 submitters: Uncertain significance (2). Last evaluated 2025-04-11.

Conditions:
Inborn genetic diseases. Identifiers: MedGen C0950123, MeSH D030342.

Allele frequency attached by ClinVar (database versions not stated): gnomAD 0.00001.
gnomAD v4.1: 2 of 1,614,054 alleles (0.00012%); highest among the groups gnomAD compares: African/African-American, 0.0013%; no homozygotes.

Submissions (2):

Ambry Genetics
Classification: Uncertain significance for Inborn genetic diseases. Last evaluated: 2025-04-11. Review status: criteria provided, single submitter. Criteria: Ambry Variant Classification Scheme 2023. Collection method: clinical testing. Allele origin: germline.

Labcorp Genetics (formerly Invitae), Labcorp
Classification: Uncertain significance. Last evaluated: 2020-10-23. Review status: criteria provided, single submitter. Criteria: Invitae Variant Classification Sherloc (09022015). Collection method: clinical testing. Allele origin: germline.
Comment: In summary, the available evidence is currently insufficient to determine the role of this variant in disease. Therefore, it has been classified as a Variant of Uncertain Significance. This variant has not been reported in the literature in individuals with SZT2-related conditions. This variant is not present in population databases (ExAC no frequency). This sequence change replaces leucine with valine at codon 1622 of the SZT2 protein (p.Leu1622Val). The leucine residue is highly conserved and there is a small physicochemical difference between leucine and valine. Algorithms developed to predict the effect of missense changes on protein structure and function (SIFT, PolyPhen-2, Align-GVGD) all suggest that this variant is likely to be disruptive, but these predictions have not been confirmed by published functional studies and their clinical significance is uncertain.